The following is an entry in ClinVar:

NM_001352027.3(PHF21A):c.463A>G (p.Thr155Ala)

Gene: PHF21A (PHD finger protein 21A; minus strand). Cytogenetic location: 11p11.2.
Variant type: single nucleotide variant.
Coding change: c.463A>G on transcript NM_001352027.3 (MANE Select); coding-DNA position 463, A replaced by G.
Protein change: p.Thr155Ala; replaces threonine 155 with alanine.
Molecular consequence: missense variant. On other transcripts: non-coding transcript variant (2), intron variant (1).
Genome position (GRCh38, 1-based): chr11:45,971,265, T>C on the plus strand (A>G on the coding strand, the complement: PHF21A is on the minus strand). VCF-style: chr11-45971265-T-C. GRCh37 (hg19) VCF-style: chr11-45992816-T-C.
Other names: c.463A>G, p.Thr155Ala (NM_001101802.3, NM_001352025.3, NM_001352026.3 and 7 more transcripts); c.460A>G, p.Thr154Ala (NM_001352030.3); c.484A>G, p.Thr162Ala (NM_001441167.1, NM_001441168.1); c.481A>G, p.Thr161Ala (NM_001441169.1); c.361-1361A>G (NM_001441172.1); short protein forms T154A, T155A, T161A, T162A.
Identifiers: ClinVar variation 4083186 (VCV004083186.1).

ClinVar aggregate classification (germline): Uncertain significance (1 of 4 stars; one submission).

Submission:

GeneDx
Classification: Uncertain significance. Last evaluated: 2025-03-14. Review status: criteria provided, single submitter. Criteria: GeneDx Variant Classification Process June 2021. Collection method: clinical testing. Allele origin: germline. Affected: yes.
Comment: Not observed at significant frequency in large population cohorts (gnomAD); In silico analysis indicates that this missense variant does not alter protein structure/function; Has not been previously published as pathogenic or benign to our knowledge